The following is an entry in ClinVar:

ClinVar aggregate classification (germline): Uncertain significance. Review status: criteria provided, multiple submitters, no conflicts (2 of 4 stars). 5 submissions from 5 submitters: Uncertain significance (4). 1 of the submissions does not count toward it. Last evaluated 2026-01-18.

Conditions:
Aortic valve disease 2 (AOVD2). Identifiers: MedGen C3542024, MONDO:0013902, OMIM 614823.
Craniosynostosis 7 (CRS7). Also called: CRANIOSYNOSTOSIS 7, DIGENIC; CRS7, DIGENIC. Identifiers: MedGen C4479496, MONDO:0044315, OMIM 617439.
Radioulnar synostosis, nonsyndromic, susceptibility to. Identifiers: MedGen C5241445, MONDO:0100183, OMIM 179300.
Radioulnar synostosis. Also called: Congenital radioulnar synostosis. Identifiers: Orphanet 3269, MedGen C0158761, MONDO:0017985, HP:0002974.

Submissions (5):

Labcorp Genetics (formerly Invitae), Labcorp
Classification: Uncertain significance for Aortic valve disease 2. Last evaluated: 2026-01-18. Review status: criteria provided, single submitter. Criteria: Invitae Variant Classification Sherloc (09022015). Collection method: clinical testing. Allele origin: germline.
Comment: This sequence change creates a premature translational stop signal (p.Ser158Argfs*147) in the SMAD6 gene. It is expected to result in an absent or disrupted protein product. However, the current clinical and genetic evidence is not sufficient to establish whether loss-of-function variants in SMAD6 cause disease. This variant is present in population databases (no rsID available, gnomAD 0.002%). This premature translational stop signal has been observed in individual(s) with SMAD6-related conditions (PMID: 31138930, 32499606, 34953066). This variant is also known as c.454_455insCGGCGGG:p.P152fs. ClinVar contains an entry for this variant (Variation ID: 405520). In summary, the available evidence is currently insufficient to determine the role of this variant in disease. Therefore, it has been classified as a Variant of Uncertain Significance.

Blueprint Genetics
Classification: Uncertain significance. Last evaluated: 2024-09-04. Review status: criteria provided, single submitter. Criteria: ACMG Guidelines, 2015. Collection method: clinical testing. Allele origin: germline.

GeneDx
Classification: Uncertain significance. Last evaluated: 2022-11-30. Review status: criteria provided, single submitter. Criteria: GeneDx Variant Classification Process June 2021. Collection method: clinical testing. Allele origin: germline. Affected: yes.
Comment: Identified in an individual with nonsyndromic radioulnar synostosis (Yang et al., 2019); Frameshift variant predicted to result in protein truncation, as the last 339 amino acids are replaced with 146 different amino acids, and other loss-of-function variants have been reported downstream in HGMD; This variant is associated with the following publications: (PMID: 34953066, 31138930, 32499606)

Juno Genomics, Hangzhou Juno Genomics, Inc
Classification: Uncertain significance for Craniosynostosis 7; Radioulnar synostosis, nonsyndromic, susceptibility to; Aortic valve disease 2. Review status: criteria provided, single submitter. Criteria: ACMG Guidelines, 2015. Collection method: clinical testing. Allele origin: germline.
Comment: Null variant in a gene where loss of function (LOF) is a known mechanism of disease.;The prevalence of the variant in affected individuals is significantly increased compared to the prevalence in controls.;Assumed de novo, but without confirmation of paternity and maternity.

The Laboratory of Genetics and Metabolism, Hunan Children’s Hospital
Classification: Likely pathogenic for radioulnar synostosis. Last evaluated: 2019-05-14. Review status: no assertion criteria provided. Collection method: case-control. Allele origin: unknown. Affected: yes. Not counted in ClinVar's aggregate classification.
Comment: PVS1, PM2, PP4

Literature cited by the submitters: PubMed 31138930 (cited by Labcorp Genetics (formerly Invitae), Labcorp); PubMed 32499606 (cited by Labcorp Genetics (formerly Invitae), Labcorp); PubMed 34953066 (cited by Labcorp Genetics (formerly Invitae), Labcorp).

NM_005585.5(SMAD6):c.465_471dup (p.Ser158fs)

Gene: SMAD6 (SMAD family member 6; plus strand). Cytogenetic location: 15q22.31.
Variant type: Microsatellite.
Coding change: c.465_471dup on transcript NM_005585.5 (MANE Select); coding-DNA positions 465 to 471, 7 bases duplicated (CGGGCGG; older notation c.465_471dupCGGGCGG).
Protein change: p.Ser158fs; shifts the reading frame from serine 158.
Molecular consequence: frameshift variant. On other transcripts: non-coding transcript variant (1).
Genome position (GRCh38, 1-based): chr15:66,703,723-66,703,729, CGGGCGG duplicated; duplicating any 7 consecutive bases within chr15:66,703,713-66,703,729 gives the same sequence; the c. name uses the placement nearest the transcript's 3' end. VCF-style (leftmost placement, unchanged base first): chr15-66703712-C-CCGGCGGG. GRCh37 (hg19) VCF-style: chr15-66996050-C-CCGGCGGG.
Other names: c.465_471dupCGGGCGG (NM_005585.4); short protein forms S158fs.
Identifiers: ClinVar variation 405520 (VCV000405520.16), dbSNP rs958818801, ClinGen allele CA16614470.